The following is an entry in ClinVar:

ClinVar aggregate classification (germline): Uncertain significance (1 of 4 stars; one submission).

Conditions:
Cardiovascular phenotype. Identifiers: MedGen CN230736.

Allele frequency attached by ClinVar (database versions not stated): gnomAD exomes below 0.00001.

Submission:

Ambry Genetics
Classification: Uncertain significance for Cardiovascular phenotype. Last evaluated: 2022-08-01. Review status: criteria provided, single submitter. Criteria: Ambry Variant Classification Scheme 2023. Collection method: clinical testing. Allele origin: germline.
Comment: The p.C264F variant (also known as c.791G>T), located in coding exon 1 of the DOLK gene, results from a G to T substitution at nucleotide position 791. The cysteine at codon 264 is replaced by phenylalanine, an amino acid with highly dissimilar properties. This amino acid position is conserved. In addition, the in silico prediction for this alteration is inconclusive. Since supporting evidence is limited at this time, the clinical significance of this alteration remains unclear.

NM_014908.4(DOLK):c.791G>T (p.Cys264Phe)

Gene: DOLK (dolichol kinase; minus strand). Cytogenetic location: 9q34.11.
Variant type: single nucleotide variant.
Coding change: c.791G>T on transcript NM_014908.4 (MANE Select); coding-DNA position 791, G replaced by T.
Protein change: p.Cys264Phe; replaces cysteine 264 with phenylalanine.
Molecular consequence: missense variant.
Genome position (GRCh38, 1-based): chr9:128,946,513, C>A on the plus strand (G>T on the coding strand, the complement: DOLK is on the minus strand). VCF-style: chr9-128946513-C-A. GRCh37 (hg19) VCF-style: chr9-131708792-C-A.
Other names: short protein forms C264F.
Identifiers: ClinVar variation 1761225 (VCV001761225.2), dbSNP rs2492004282, ClinGen allele CA375122830.